The following is an entry in ClinVar:

ClinVar aggregate classification (germline): Uncertain significance. Review status: criteria provided, multiple submitters, no conflicts (2 of 4 stars). 2 submissions from 2 submitters: Uncertain significance (2). Last evaluated 2022-06-17.

Conditions:
Inborn genetic diseases. Identifiers: MedGen C0950123, MeSH D030342.

Allele frequency attached by ClinVar (database versions not stated): gnomAD exomes 0.00004; ExAC 0.00012; TOPMed 0.00026; gnomAD 0.00027; ESP Exome Variant Server 0.00031.
gnomAD v4.1: 94 of 1,605,212 alleles (0.0059%); highest among the groups gnomAD compares: African/African-American, 0.1%; no homozygotes.

Submissions (2):

Ambry Genetics
Classification: Uncertain significance for Inborn genetic diseases. Last evaluated: 2022-06-17. Review status: criteria provided, single submitter. Criteria: Ambry Variant Classification Scheme 2023. Collection method: clinical testing. Allele origin: germline.
Comment: The c.2596+3G>A intronic alteration consists of a G to A substitution 3 nucleotides after exon 18 (coding exon 17) of the RBBP8 gene. Based on insufficient or conflicting evidence, the clinical significance of this alteration remains unclear.

Labcorp Genetics (formerly Invitae), Labcorp
Classification: Uncertain significance. Last evaluated: 2022-05-27. Review status: criteria provided, single submitter. Criteria: Invitae Variant Classification Sherloc (09022015). Collection method: clinical testing. Allele origin: germline.
Comment: In summary, the available evidence is currently insufficient to determine the role of this variant in disease. Therefore, it has been classified as a Variant of Uncertain Significance. Variants that disrupt the consensus splice site are a relatively common cause of aberrant splicing (PMID: 17576681, 9536098). Algorithms developed to predict the effect of sequence changes on RNA splicing suggest that this variant is not likely to affect RNA splicing. This variant has not been reported in the literature in individuals affected with RBBP8-related conditions. This variant is present in population databases (rs369347618, gnomAD 0.1%). This sequence change falls in intron 18 of the RBBP8 gene. It does not directly change the encoded amino acid sequence of the RBBP8 protein. It affects a nucleotide within the consensus splice site.

Literature cited by the submitters: PubMed 17576681 (cited by Labcorp Genetics (formerly Invitae), Labcorp); PubMed 9536098 (cited by Labcorp Genetics (formerly Invitae), Labcorp).

NM_002894.3(RBBP8):c.2596+3G>A

Gene: RBBP8 (RB binding protein 8, endonuclease; plus strand). Cytogenetic location: 18q11.2.
Variant type: single nucleotide variant.
Coding change: c.2596+3G>A on transcript NM_002894.3 (MANE Select); 3 bases into the intron after coding-DNA position 2596, G replaced by A.
Molecular consequence: intron variant.
Genome position (GRCh38, 1-based): chr18:23,022,273, G>A. VCF-style: chr18-23022273-G-A. GRCh37 (hg19) VCF-style: chr18-20602236-G-A.
Other names: c.2499+3G>A (NM_203292.2); c.2596+3G>A (NM_203291.2).
Identifiers: ClinVar variation 1946664 (VCV001946664.4), dbSNP rs369347618, ClinGen allele CA8910407.
Genomic context (GRCh38, chr18:23,022,273, plus strand): 5'-ACACCAGAGAATTTTTGGGAAGTTGGTTTTCCTTCCACTCAGACTTGTATGGAAAGAGGT[G>A]AGAGTATAGATTGTAACATTTTATAATTATTTTTTTTAAATACTTGGCCGGGCACAGTGG-3'